The following is an entry in ClinVar:

ClinVar aggregate classification (germline): Conflicting classifications of pathogenicity. Review status: criteria provided, conflicting classifications (1 of 4 stars). 9 submissions from 9 submitters: Uncertain significance (1); Benign (5); Likely benign (3). Last evaluated 2025-10-29.

Conditions:
Inborn genetic diseases. Identifiers: MedGen C0950123, MeSH D030342.
Thrombocytopenia 2 (THC2). Also called: ANKRD26-Related Thrombocytopenia. Identifiers: Orphanet 268322, MedGen C1861185, MONDO:0008555, OMIM 188000.

Allele frequency attached by ClinVar (database versions not stated): gnomAD 0.00188 and 0.00175; TOPMed 0.00190; gnomAD exomes 0.00018 and 0.00044; ExAC 0.00057; 1000 Genomes Project 30x 0.00094; 1000 Genomes Project 0.00100; ESP Exome Variant Server 0.00161.
gnomAD v4.1: 569 of 1,613,742 alleles (0.035%); highest among the groups gnomAD compares: African/African-American, 0.64%; 2 homozygotes.

Submissions (9):

Labcorp Genetics (formerly Invitae), Labcorp
Classification: Benign. Last evaluated: 2025-10-29. Review status: criteria provided, single submitter. Criteria: Invitae Variant Classification Sherloc (09022015). Collection method: clinical testing. Allele origin: germline.

Mayo Clinic Laboratories, Mayo Clinic
Classification: Benign. Last evaluated: 2025-08-13. Review status: criteria provided, single submitter. Criteria: ACMG Guidelines, 2015. Collection method: clinical testing. Allele origin: germline. Observed: 1 variant allele.
Comment: BS1, BS2, BP4_moderate

Blueprint Genetics
Classification: Likely benign. Last evaluated: 2024-09-23. Review status: criteria provided, single submitter. Criteria: ACMG Guidelines, 2015. Collection method: clinical testing. Allele origin: germline.

ARUP Laboratories, Molecular Genetics and Genomics, ARUP Laboratories
Classification: Likely benign for Thrombocytopenia 2. Last evaluated: 2024-04-19. Review status: criteria provided, single submitter. Criteria: ARUP Molecular Germline Variant Investigation Process 2024. Collection method: clinical testing. Allele origin: germline.

Genome-Nilou Lab
Classification: Benign for Thrombocytopenia 2. Last evaluated: 2021-12-05. Review status: criteria provided, single submitter. Criteria: ACMG Guidelines, 2015. Collection method: clinical testing. Allele origin: germline. Affected: no.

Ambry Genetics
Classification: Uncertain significance for Inborn genetic diseases. Last evaluated: 2021-06-22. Review status: criteria provided, single submitter. Criteria: Ambry Variant Classification Scheme 2023. Collection method: clinical testing. Allele origin: germline.

GeneDx
Classification: Likely benign. Last evaluated: 2021-02-23. Review status: criteria provided, single submitter. Criteria: GeneDx Variant Classification Process June 2021. Collection method: clinical testing. Allele origin: germline. Affected: yes.
Comment: In silico analysis supports that this missense variant has a deleterious effect on protein structure/function; Has not been previously published as pathogenic or benign to our knowledge

Genetic Services Laboratory, University of Chicago
Classification: Benign. Last evaluated: 2018-01-25. Review status: criteria provided, single submitter. Criteria: ACMG Guidelines, 2015. Collection method: clinical testing. Allele origin: germline. Affected: no.

Illumina Laboratory Services, Illumina
Classification: Benign for Thrombocytopenia 2. Last evaluated: 2018-01-13. Review status: criteria provided, single submitter. Criteria: ICSL Variant Classification Criteria 13 December 2019. Collection method: clinical testing. Allele origin: germline.
Comment: This variant was observed in the ICSL laboratory as part of a predisposition screen in an ostensibly healthy population. It had not been previously curated by ICSL or reported in the Human Gene Mutation Database (HGMD: prior to June 1st, 2018), and was therefore a candidate for classification through an automated scoring system. Utilizing variant allele frequency, disease prevalence and penetrance estimates, and inheritance mode, an automated score was calculated to assess if this variant is too frequent to cause the disease. Based on the score and internal cut-off values, a variant classified as benign is not then subjected to further curation. The score for this variant resulted in a classification of benign for this disease.

NM_014915.3(ANKRD26):c.1133A>G (p.Glu378Gly)

Gene: ANKRD26 (ankyrin repeat domain 26; minus strand). Cytogenetic location: 10p12.1.
Variant type: single nucleotide variant.
Coding change: c.1133A>G on transcript NM_014915.3 (MANE Select); coding-DNA position 1133, A replaced by G.
Protein change: p.Glu378Gly; replaces glutamic acid 378 with glycine.
Molecular consequence: missense variant.
Genome position (GRCh38, 1-based): chr10:27,067,231, T>C on the plus strand (A>G on the coding strand, the complement: ANKRD26 is on the minus strand). VCF-style: chr10-27067231-T-C. GRCh37 (hg19) VCF-style: chr10-27356160-T-C.
Other names: p.Glu378Gly; c.1133A>G, p.Glu378Gly (NM_001256053.2); short protein forms E378G.
Identifiers: ClinVar variation 712487 (VCV000712487.22), dbSNP rs186243874, ClinGen allele CA5448679.